The following is an entry in ClinVar:

ClinVar aggregate classification (germline): Uncertain significance (1 of 4 stars; one submission).

Submission:

GeneDx
Classification: Uncertain significance. Last evaluated: 2025-06-30. Review status: criteria provided, single submitter. Criteria: GeneDx Variant Classification Process June 2021. Collection method: clinical testing. Allele origin: germline. Affected: yes.
Comment: Not observed at significant frequency in large population cohorts (gnomAD); In silico analysis supports that this missense variant has a deleterious effect on protein structure/function; Has not been previously published as pathogenic or benign to our knowledge

NM_015570.4(AUTS2):c.2935G>A (p.Glu979Lys)

Gene: AUTS2 (activator of transcription and developmental regulator AUTS2; plus strand). Cytogenetic location: 7q11.22.
Variant type: single nucleotide variant.
Coding change: c.2935G>A on transcript NM_015570.4 (MANE Select); coding-DNA position 2935, G replaced by A.
Protein change: p.Glu979Lys; replaces glutamic acid 979 with lysine.
Molecular consequence: missense variant.
Genome position (GRCh38, 1-based): chr7:70,790,151, G>A. VCF-style: chr7-70790151-G-A. GRCh37 (hg19) VCF-style: chr7-70255137-G-A.
Other names: c.2863G>A, p.Glu955Lys (NM_001127231.3); short protein forms E955K, E979K.
Identifiers: ClinVar variation 4681110 (VCV004681110.1).
Genomic context (GRCh38, chr7:70,790,151, plus strand): 5'-AGCCGGGAGGCCGAGCCGCGCAAGGGTGAGCCGGCCTACGAGAACCCCAAGAAGAGCTCC[G>A]AGGTCAAGGTGAAGGAGGAGCGGAAGGAAGACCATGACCTGCCTCCAGAGGCCCCGCAGA-3'
Protein context (NP_056385.1, residues 969-989): PAYENPKKSS[Glu979Lys]VKVKEERKED